The following is an entry in ClinVar:

ClinVar aggregate classification (germline): Likely benign (1 of 4 stars; one submission).

gnomAD v4.1: 386 of 1,614,096 alleles (0.024%); highest among the groups gnomAD compares: Non-Finnish European, 0.03%; 1 homozygote.

Submission:

CeGaT Center for Human Genetics Tuebingen
Classification: Likely benign. Last evaluated: 2026-08-01. Review status: criteria provided, single submitter. Criteria: CeGaT Center For Human Genetics Tuebingen Variant Classification Criteria Version 2. Collection method: clinical testing. Allele origin: germline. Affected: yes. Observed: 2 variant alleles.
Comment: UFSP2: BP4, BP7

NM_018359.5(UFSP2):c.1185T>G (p.Thr395=)

Gene: UFSP2 (UFM1 specific peptidase 2; minus strand). Cytogenetic location: 4q35.1.
Variant type: single nucleotide variant.
Coding change: c.1185T>G on transcript NM_018359.5 (MANE Select); coding-DNA position 1185, T replaced by G.
Protein change: p.Thr395=; no amino-acid change (threonine 395 retained).
Molecular consequence: synonymous variant. On other transcripts: non-coding transcript variant (2).
Genome position (GRCh38, 1-based): chr4:185,405,793, A>C on the plus strand (T>G on the coding strand, the complement: UFSP2 is on the minus strand). VCF-style: chr4-185405793-A-C. GRCh37 (hg19) VCF-style: chr4-186326947-A-C.
Identifiers: ClinVar variation 4873059 (VCV004873059.2).
Genomic context (GRCh38, chr4:185,405,793, plus strand): 5'-TTTGCATATTACTCACTCTACCAAAAACAGTGTCTGAAACAGCTTACCGATCATAACTGG[A>C]GTTCCTTCACTTTGGAAATGATTAGCCAGTTCCCGTCCTTGAGAGGCAATTTCTGAACCT-3'
Protein context (NP_060829.2, residues 385-405): ELANHFQSEG[Thr395=]PVMIGGGVLA